The following is an entry in ClinVar:

ClinVar aggregate classification (germline): Uncertain significance. Review status: criteria provided, multiple submitters, no conflicts (2 of 4 stars). 4 submissions from 4 submitters: Uncertain significance (4). Last evaluated 2025-09-24.

Conditions:
DDHD2-related disorder. Also called: DDHD2-related condition.
Inborn genetic diseases. Identifiers: MedGen C0950123, MeSH D030342.
Hereditary spastic paraplegia 54. Also called: Spastic paraplegia 54, autosomal recessive. Identifiers: Orphanet 320380, MedGen C3539495, MONDO:0014018, OMIM 615033.

Allele frequency attached by ClinVar (database versions not stated): ExAC 0.00004; gnomAD exomes 0.00004; gnomAD 0.00006 and 0.00007; TOPMed 0.00006; ESP Exome Variant Server 0.00015.
gnomAD v4.1: 190 of 1,598,258 alleles (0.012%); highest among the groups gnomAD compares: Non-Finnish European, 0.016%; no homozygotes.

Submissions (4):

PreventionGenetics, part of Exact Sciences
Classification: Uncertain significance for DDHD2-related condition. Last evaluated: 2025-09-24. Review status: criteria provided, single submitter. Criteria: ACMG Guidelines, 2015. Collection method: clinical testing. Allele origin: germline.
Comment: The DDHD2 c.628C>A variant is predicted to result in the amino acid substitution p.Pro210Thr. To our knowledge, this variant has not been reported in the literature. This variant is reported in 0.0093% of alleles in individuals of European (Non-Finnish) descent in gnomAD. At this time, the clinical significance of this variant is uncertain due to the absence of conclusive functional and genetic evidence.

Ambry Genetics
Classification: Uncertain significance for Inborn genetic diseases. Last evaluated: 2025-06-07. Review status: criteria provided, single submitter. Criteria: Ambry Variant Classification Scheme 2023. Collection method: clinical testing. Allele origin: germline.

Labcorp Genetics (formerly Invitae), Labcorp
Classification: Uncertain significance for Hereditary spastic paraplegia 54. Last evaluated: 2022-06-25. Review status: criteria provided, single submitter. Criteria: Invitae Variant Classification Sherloc (09022015). Collection method: clinical testing. Allele origin: germline.
Comment: This sequence change replaces proline, which is neutral and non-polar, with threonine, which is neutral and polar, at codon 210 of the DDHD2 protein (p.Pro210Thr). This variant is present in population databases (rs376771682, gnomAD 0.01%). This variant has not been reported in the literature in individuals affected with DDHD2-related conditions. ClinVar contains an entry for this variant (Variation ID: 434909). Algorithms developed to predict the effect of missense changes on protein structure and function are either unavailable or do not agree on the potential impact of this missense change (SIFT: "Tolerated"; PolyPhen-2: "Probably Damaging"; Align-GVGD: "Class C0"). In summary, the available evidence is currently insufficient to determine the role of this variant in disease. Therefore, it has been classified as a Variant of Uncertain Significance.

Genetic Services Laboratory, University of Chicago
Classification: Uncertain significance. Last evaluated: 2015-09-03. Review status: criteria provided, single submitter. Criteria: ACMG Guidelines, 2015. Collection method: clinical testing. Allele origin: germline. Affected: no.

NM_015214.3(DDHD2):c.628C>A (p.Pro210Thr)

Gene: DDHD2 (DDHD domain containing 2; plus strand). Cytogenetic location: 8p11.23.
Variant type: single nucleotide variant.
Coding change: c.628C>A on transcript NM_015214.3 (MANE Select); coding-DNA position 628, C replaced by A.
Protein change: p.Pro210Thr; replaces proline 210 with threonine.
Molecular consequence: missense variant. On other transcripts: non-coding transcript variant (2), intron variant (1).
Genome position (GRCh38, 1-based): chr8:38,240,280, C>A. VCF-style: chr8-38240280-C-A. GRCh37 (hg19) VCF-style: chr8-38097798-C-A.
Other names: c.628C>A, p.Pro210Thr (NM_001164232.2, NM_001362911.2, NM_001362912.2 and 1 more transcripts); c.623-1970C>A (NM_001362913.2); short protein forms P210T.
Identifiers: ClinVar variation 434909 (VCV000434909.10), dbSNP rs376771682, ClinGen allele CA4716054.